The following is an entry in ClinVar:

ClinVar aggregate classification (germline): Uncertain significance. Review status: criteria provided, multiple submitters, no conflicts (2 of 4 stars). 2 submissions from 2 submitters: Uncertain significance (2). Last evaluated 2025-03-03.

Conditions:
Inborn genetic diseases. Identifiers: MedGen C0950123, MeSH D030342.

Allele frequency attached by ClinVar (database versions not stated): gnomAD 0.00001; 1000 Genomes Project 30x 0.00016; 1000 Genomes Project 0.00020.
gnomAD v4.1: 3 of 1,614,258 alleles (0.00019%); highest among the groups gnomAD compares: Admixed American, 0.005%; no homozygotes.

Submissions (2):

Ambry Genetics
Classification: Uncertain significance for Inborn genetic diseases. Last evaluated: 2025-03-03. Review status: criteria provided, single submitter. Criteria: Ambry Variant Classification Scheme 2023. Collection method: clinical testing. Allele origin: germline.

Labcorp Genetics (formerly Invitae), Labcorp
Classification: Uncertain significance. Last evaluated: 2024-06-30. Review status: criteria provided, single submitter. Criteria: Invitae Variant Classification Sherloc (09022015). Collection method: clinical testing. Allele origin: germline.
Comment: This sequence change replaces arginine, which is basic and polar, with serine, which is neutral and polar, at codon 514 of the ALPK1 protein (p.Arg514Ser). This variant is present in population databases (rs554262050, gnomAD 0.003%). This variant has not been reported in the literature in individuals affected with ALPK1-related conditions. ClinVar contains an entry for this variant (Variation ID: 1933258). Advanced modeling of protein sequence and biophysical properties (such as structural, functional, and spatial information, amino acid conservation, physicochemical variation, residue mobility, and thermodynamic stability) performed at Invitae indicates that this missense variant is not expected to disrupt ALPK1 protein function with a negative predictive value of 80%. In summary, the available evidence is currently insufficient to determine the role of this variant in disease. Therefore, it has been classified as a Variant of Uncertain Significance.

NM_025144.4(ALPK1):c.1542A>C (p.Arg514Ser)

Gene: ALPK1 (alpha kinase 1; plus strand). Cytogenetic location: 4q25.
Variant type: single nucleotide variant.
Coding change: c.1542A>C on transcript NM_025144.4 (MANE Select); coding-DNA position 1542, A replaced by C.
Protein change: p.Arg514Ser; replaces arginine 514 with serine.
Molecular consequence: missense variant.
Genome position (GRCh38, 1-based): chr4:112,431,089, A>C. VCF-style: chr4-112431089-A-C. GRCh37 (hg19) VCF-style: chr4-113352245-A-C.
Other names: c.1542A>C, p.Arg514Ser (NM_001102406.2); c.1308A>C, p.Arg436Ser (NM_001253884.2); c.1542A>C (NM_025144.3); short protein forms R436S, R514S.
Identifiers: ClinVar variation 1933258 (VCV001933258.6), dbSNP rs554262050, ClinGen allele CA3046742.